The following is an entry in ClinVar:

ClinVar aggregate classification (germline): Uncertain significance (1 of 4 stars; one submission).

Conditions:
Familial thoracic aortic aneurysm and aortic dissection (TAAD). Also called: Thoracic aortic aneurysms and dissections. Identifiers: Orphanet 91387, MedGen C4707243, MONDO:0019625.

Submission:

Labcorp Genetics (formerly Invitae), Labcorp
Classification: Uncertain significance for Familial thoracic aortic aneurysm and aortic dissection. Last evaluated: 2023-02-18. Review status: criteria provided, single submitter. Criteria: Invitae Variant Classification Sherloc (09022015). Collection method: clinical testing. Allele origin: germline.
Comment: This sequence change replaces isoleucine, which is neutral and non-polar, with asparagine, which is neutral and polar, at codon 334 of the SMAD3 protein (p.Ile334Asn). This variant is not present in population databases (gnomAD no frequency). This variant has not been reported in the literature in individuals affected with SMAD3-related conditions. Advanced modeling of protein sequence and biophysical properties (such as structural, functional, and spatial information, amino acid conservation, physicochemical variation, residue mobility, and thermodynamic stability) performed at Invitae indicates that this missense variant is expected to disrupt SMAD3 protein function. In summary, the available evidence is currently insufficient to determine the role of this variant in disease. Therefore, it has been classified as a Variant of Uncertain Significance.

NM_005902.4(SMAD3):c.1001T>A (p.Ile334Asn)

Gene: SMAD3 (SMAD family member 3; plus strand). Cytogenetic location: 15q22.33.
Variant type: single nucleotide variant.
Coding change: c.1001T>A on transcript NM_005902.4 (MANE Select); coding-DNA position 1001, T replaced by A.
Protein change: p.Ile334Asn; replaces isoleucine 334 with asparagine.
Molecular consequence: missense variant. On other transcripts: intron variant (1).
Genome position (GRCh38, 1-based): chr15:67,184,856, T>A. VCF-style: chr15-67184856-T-A. GRCh37 (hg19) VCF-style: chr15-67477194-T-A.
Other names: c.686T>A, p.Ile229Asn (NM_001145102.2, NM_001407016.1); c.869T>A, p.Ile290Asn (NM_001145103.2, NM_001407012.1); c.416T>A, p.Ile139Asn (NM_001145104.2, NM_001407017.1); c.1001T>A, p.Ile334Asn (NM_001407011.1); c.854T>A, p.Ile285Asn (NM_001407014.1); c.554T>A, p.Ile185Asn (NM_001407015.1); c.872-2509T>A (NM_001407013.1); short protein forms I285N, I290N, I334N, I139N, I185N, I229N.
Identifiers: ClinVar variation 2838600 (VCV002838600.3), dbSNP rs2505301015, ClinGen allele CA392957354.